The following is an entry in ClinVar:

ClinVar aggregate classification (germline): Uncertain significance (1 of 4 stars; one submission).

Conditions:
Bloom syndrome (BLM). Also called: Bloom-Torre-Machacek syndrome. Identifiers: Orphanet 125, MedGen C0005859, MONDO:0008876, OMIM 210900.

Submission:

Labcorp Genetics (formerly Invitae), Labcorp
Classification: Uncertain significance for Bloom syndrome. Last evaluated: 2018-01-13. Review status: criteria provided, single submitter. Criteria: Invitae Variant Classification Sherloc (09022015). Collection method: clinical testing. Allele origin: germline.
Comment: This variant is an in-frame deletion of the genomic region encompassing exon 10 of the BLM gene. It preserves the integrity of the reading frame. This variant has not been reported in the literature in individuals with BLM-related disease. Experimental studies and prediction algorithms are not available for this variant, and the functional significance of the deleted amino acids is currently unknown. In summary, the available evidence is currently insufficient to determine the role of this variant in disease. Therefore, it has been classified as a Variant of Uncertain Significance.

NC_000015.9:g.(?_91310134)_(91310259_?)del

Gene: BLM (BLM RecQ like helicase; plus strand). Cytogenetic location: 15q26.1.
Variant type: Deletion.
Identifiers: ClinVar variation 1002855 (VCV001002855.1).